The following is an entry in ClinVar:

ClinVar aggregate classification (germline): Uncertain significance. Review status: criteria provided, multiple submitters, no conflicts (2 of 4 stars). 3 submissions from 3 submitters: Uncertain significance (3). Last evaluated 2025-08-13.

Conditions:
Rhizomelic chondrodysplasia punctata type 2 (RCDP2). Also called: DIHYDROXYACETONEPHOSPHATE ACYLTRANSFERASE DEFICIENCY; glyceronephosphate O-acyltransferase (GNPAT) deficiency; Glyceronephosphate O-acyltransferase deficiency; DHAPAT DEFICIENCY; PEROXISOMAL DIHYDROXYACETONEPHOSPHATE ACYLTRANSFERASE DEFICIENCY; Chondrodysplasia punctata, rhizomelic, due to dihydroxyacetonephosphate acyltransferase deficiency. Identifiers: Orphanet 177, Orphanet 309796, MedGen C1857242, MONDO:0100273, OMIM 222765. Disease mechanism: loss of function.
Inborn genetic diseases. Identifiers: MedGen C0950123, MeSH D030342.

Allele frequency attached by ClinVar (database versions not stated): gnomAD exomes 0.00001; ExAC 0.00002; gnomAD 0.00002; TOPMed 0.00002.

Submissions (3):

Ambry Genetics
Classification: Uncertain significance for Inborn genetic diseases. Last evaluated: 2025-08-13. Review status: criteria provided, single submitter. Criteria: Ambry Variant Classification Scheme 2023. Collection method: clinical testing. Allele origin: germline.

Labcorp Genetics (formerly Invitae), Labcorp
Classification: Uncertain significance. Last evaluated: 2022-07-02. Review status: criteria provided, single submitter. Criteria: Invitae Variant Classification Sherloc (09022015). Collection method: clinical testing. Allele origin: germline.
Comment: This sequence change replaces glutamine, which is neutral and polar, with glutamic acid, which is acidic and polar, at codon 550 of the GNPAT protein (p.Gln550Glu). This variant is present in population databases (rs761578510, gnomAD 0.004%). This variant has not been reported in the literature in individuals affected with GNPAT-related conditions. ClinVar contains an entry for this variant (Variation ID: 296132). Algorithms developed to predict the effect of missense changes on protein structure and function (SIFT, PolyPhen-2, Align-GVGD) all suggest that this variant is likely to be tolerated. In summary, the available evidence is currently insufficient to determine the role of this variant in disease. Therefore, it has been classified as a Variant of Uncertain Significance.

Illumina Laboratory Services, Illumina
Classification: Uncertain significance for Rhizomelic chondrodysplasia punctata type 2. Last evaluated: 2018-01-13. Review status: criteria provided, single submitter. Criteria: ICSL Variant Classification Criteria 13 December 2019. Collection method: clinical testing. Allele origin: germline.

NM_014236.4(GNPAT):c.1648C>G (p.Gln550Glu)

Gene: GNPAT (glyceronephosphate O-acyltransferase; plus strand). Cytogenetic location: 1q42.2.
Variant type: single nucleotide variant.
Coding change: c.1648C>G on transcript NM_014236.4 (MANE Select); coding-DNA position 1648, C replaced by G.
Protein change: p.Gln550Glu; replaces glutamine 550 with glutamic acid.
Molecular consequence: missense variant.
Genome position (GRCh38, 1-based): chr1:231,273,967, C>G. VCF-style: chr1-231273967-C-G. GRCh37 (hg19) VCF-style: chr1-231409713-C-G.
Other names: c.1465C>G, p.Gln489Glu (NM_001316350.2); short protein forms Q550E, Q489E.
Identifiers: ClinVar variation 296132 (VCV000296132.7), dbSNP rs761578510, ClinGen allele CA1452083.